The following is an entry in ClinVar:

NM_000334.4(SCN4A):c.257A>G (p.Tyr86Cys)

Gene: SCN4A (sodium voltage-gated channel alpha subunit 4; minus strand). Cytogenetic location: 17q23.3.
Variant type: single nucleotide variant.
Coding change: c.257A>G on transcript NM_000334.4 (MANE Select); coding-DNA position 257, A replaced by G.
Protein change: p.Tyr86Cys; replaces tyrosine 86 with cysteine.
Molecular consequence: missense variant.
Genome position (GRCh38, 1-based): chr17:63,972,585, T>C on the plus strand (A>G on the coding strand, the complement: SCN4A is on the minus strand). VCF-style: chr17-63972585-T-C. GRCh37 (hg19) VCF-style: chr17-62049945-T-C.
Other names: short protein forms Y86C.
Identifiers: ClinVar variation 1983047 (VCV001983047.4), dbSNP rs372641442, ClinGen allele CA8710241.

ClinVar aggregate classification (germline): Uncertain significance (1 of 4 stars; one submission).

Conditions:
Hyperkalemic periodic paralysis. Also called: Familial hyperkalemic periodic paralysis; Gamstorp disease. Identifiers: Orphanet 682, MedGen C0238357, MONDO:0008224, OMIM 170500, HP:0007215.

Allele frequency attached by ClinVar (database versions not stated): gnomAD exomes below 0.00001; TOPMed 0.00002; ExAC 0.00003; gnomAD 0.00003; ESP Exome Variant Server 0.00016.
gnomAD v4.1: 7 of 1,595,784 alleles (0.00044%); highest among the groups gnomAD compares: Non-Finnish European, 0.00051%; no homozygotes.

Submission:

Labcorp Genetics (formerly Invitae), Labcorp
Classification: Uncertain significance for Hyperkalemic periodic paralysis. Last evaluated: 2022-06-19. Review status: criteria provided, single submitter. Criteria: Invitae Variant Classification Sherloc (09022015). Collection method: clinical testing. Allele origin: germline.
Comment: This sequence change replaces tyrosine, which is neutral and polar, with cysteine, which is neutral and slightly polar, at codon 86 of the SCN4A protein (p.Tyr86Cys). This variant is present in population databases (rs372641442, gnomAD 0.004%). This variant has not been reported in the literature in individuals affected with SCN4A-related conditions. Algorithms developed to predict the effect of missense changes on protein structure and function are either unavailable or do not agree on the potential impact of this missense change (SIFT: "Deleterious"; PolyPhen-2: "Benign"; Align-GVGD: "Class C55"). In summary, the available evidence is currently insufficient to determine the role of this variant in disease. Therefore, it has been classified as a Variant of Uncertain Significance.